The following is an entry in ClinVar:

ClinVar aggregate classification (germline): Benign (1 of 4 stars; one submission).

Allele frequency attached by ClinVar (database versions not stated): 1000 Genomes Project 30x 0.00406; 1000 Genomes Project 0.00439; gnomAD 0.00559; TOPMed 0.00564; ESP Exome Variant Server 0.00654; ExAC 0.00686; gnomAD exomes 0.00767.
gnomAD v4.1: 12,063 of 1,613,554 alleles (0.75%); highest among the groups gnomAD compares: South Asian, 1.4%; 213 homozygotes.

Submission:

CeGaT Center for Human Genetics Tuebingen
Classification: Benign. Last evaluated: 2026-09-01. Review status: criteria provided, single submitter. Criteria: CeGaT Center For Human Genetics Tuebingen Variant Classification Criteria Version 2. Collection method: clinical testing. Allele origin: germline. Affected: yes. Observed: 14 variant alleles.
Comment: CATSPER2: BS1, BS2

NM_172095.4(CATSPER2):c.1073G>A (p.Arg358Gln)

Gene: CATSPER2 (cation channel sperm associated 2; minus strand). Cytogenetic location: 15q15.3.
Variant type: single nucleotide variant.
Coding change: c.1073G>A on transcript NM_172095.4 (MANE Select); coding-DNA position 1073, G replaced by A.
Protein change: p.Arg358Gln; replaces arginine 358 with glutamine.
Molecular consequence: missense variant. On other transcripts: non-coding transcript variant (1).
Genome position (GRCh38, 1-based): chr15:43,635,775, C>T on the plus strand (G>A on the coding strand, the complement: CATSPER2 is on the minus strand). VCF-style: chr15-43635775-C-T. GRCh37 (hg19) VCF-style: chr15-43927973-C-T.
Other names: c.1073G>A, p.Arg358Gln (NM_172096.1, NM_001282309.3); c.1091G>A, p.Arg364Gln (NM_001282310.2); short protein forms R358Q, R364Q.
Identifiers: ClinVar variation 2645276 (VCV002645276.24), dbSNP rs148320269, ClinGen allele CA7528714.